The following is an entry in ClinVar:

ClinVar aggregate classification (germline): Uncertain significance (0 of 4 stars; one submission).

Conditions:
TRIM32-related disorder. Also called: TRIM32-related condition.

gnomAD v4.1: 6 of 1,613,914 alleles (0.00037%); highest among the groups gnomAD compares: South Asian, 0.0022%; no homozygotes.

Submission:

PreventionGenetics, part of Exact Sciences
Classification: Uncertain significance for TRIM32-related condition. Last evaluated: 2024-04-18. Review status: no assertion criteria provided. Collection method: clinical testing. Allele origin: germline.
Comment: The TRIM32 c.301C>T variant is predicted to result in the amino acid substitution p.Arg101Trp. To our knowledge, this variant has not been reported in the literature. This variant is reported in 0.0033% of alleles in individuals of South Asian descent in gnomAD. At this time, the clinical significance of this variant is uncertain due to the absence of conclusive functional and genetic evidence.

NM_012210.4(TRIM32):c.301C>T (p.Arg101Trp)

Genes: ASTN2 (astrotactin 2; minus strand), TRIM32 (tripartite motif containing 32; plus strand). Cytogenetic location: 9q33.1.
Variant type: single nucleotide variant.
Coding change: c.301C>T on transcript NM_012210.4 (MANE Select); coding-DNA position 301, C replaced by T.
Protein change: p.Arg101Trp; replaces arginine 101 with tryptophan.
Molecular consequence: missense variant. On other transcripts: intron variant (3).
Genome position (GRCh38, 1-based): chr9:116,698,043, C>T. VCF-style: chr9-116698043-C-T. GRCh37 (hg19) VCF-style: chr9-119460322-C-T.
Other names: c.301C>T, p.Arg101Trp (NM_001099679.2, NM_001379048.1, NM_001379049.1 and 1 more transcripts); c.2653+27728G>A (NM_014010.5); c.2794+27728G>A (NM_001365069.1); c.2806+27728G>A (NM_001365068.1); short protein forms R101W.
Identifiers: ClinVar variation 3344704 (VCV003344704.1).
Genomic context (GRCh38, chr9:116,698,043, plus strand): 5'-ACAGTGCTAAAGATCATTGATACAGCTGGGCTCAGCGAGGCTGTGGGGCTGCTCATGTGT[C>T]GGTCCTGTGGGCGGCGTCTGCCCCGGCAATTCTGCCGGAGCTGTGGTTTGGTGTTATGTG-3'
Protein context (NP_036342.2, residues 91-111): LSEAVGLLMC[Arg101Trp]SCGRRLPRQF